The following is an entry in ClinVar:

ClinVar aggregate classification (germline): Uncertain significance (1 of 4 stars; one submission).

gnomAD v4.1: 1 of 1,614,174 alleles (0.000062%); no homozygotes.

Submission:

Labcorp Genetics (formerly Invitae), Labcorp
Classification: Uncertain significance. Last evaluated: 2022-10-08. Review status: criteria provided, single submitter. Criteria: Invitae Variant Classification Sherloc (09022015). Collection method: clinical testing. Allele origin: germline.
Comment: In summary, the available evidence is currently insufficient to determine the role of this variant in disease. Therefore, it has been classified as a Variant of Uncertain Significance. Algorithms developed to predict the effect of missense changes on protein structure and function (SIFT, PolyPhen-2, Align-GVGD) all suggest that this variant is likely to be tolerated. ClinVar contains an entry for this variant (Variation ID: 1485335). This variant has not been reported in the literature in individuals affected with EFL1-related conditions. This variant is not present in population databases (gnomAD no frequency). This sequence change replaces aspartic acid, which is acidic and polar, with alanine, which is neutral and non-polar, at codon 932 of the EFL1 protein (p.Asp932Ala).

NM_024580.6(EFL1):c.2795A>C (p.Asp932Ala)

Gene: EFL1 (elongation factor like GTPase 1; minus strand). Cytogenetic location: 15q25.2.
Variant type: single nucleotide variant.
Coding change: c.2795A>C on transcript NM_024580.6 (MANE Select); coding-DNA position 2795, A replaced by C.
Protein change: p.Asp932Ala; replaces aspartic acid 932 with alanine.
Molecular consequence: missense variant. On other transcripts: non-coding transcript variant (1).
Genome position (GRCh38, 1-based): chr15:82,151,659, T>G on the plus strand (A>C on the coding strand, the complement: EFL1 is on the minus strand). VCF-style: chr15-82151659-T-G. GRCh37 (hg19) VCF-style: chr15-82444000-T-G.
Other names: c.2642A>C, p.Asp881Ala (NM_001040610.3); c.2006A>C, p.Asp669Ala (NM_001322844.2); c.2795A>C, p.Asp932Ala (NM_001322845.2); short protein forms D881A, D932A, D669A.
Identifiers: ClinVar variation 1485335 (VCV001485335.7), dbSNP rs767964929, ClinGen allele CA393286422.
Genomic context (GRCh38, chr15:82,151,659, plus strand): 5'-TCAGTGAGTGGAGATTCTCCTTTCTGTGATGTCCTCTTCTCAAAGGCCTCAGAGCAGCCA[T>G]CTTGTAGCTCTTGGTTTTCATTTCCACCAGAACAGGTTTCATTTTCCTCCTGTCCCTCTT-3'
Protein context (NP_078856.4, residues 922-942): SGGNENQELQ[Asp932Ala]GCSEAFEKRT